The following is an entry in ClinVar:

NM_001080517.3(SETD5):c.504A>C (p.Lys168Asn)

Gene: SETD5 (SET domain containing 5; plus strand). Cytogenetic location: 3p25.3.
Variant type: single nucleotide variant.
Coding change: c.504A>C on transcript NM_001080517.3 (MANE Select); coding-DNA position 504, A replaced by C.
Protein change: p.Lys168Asn; replaces lysine 168 with asparagine.
Molecular consequence: missense variant.
Genome position (GRCh38, 1-based): chr3:9,435,843, A>C. VCF-style: chr3-9435843-A-C. GRCh37 (hg19) VCF-style: chr3-9477527-A-C.
Other names: c.171A>C, p.Lys57Asn (NM_001292043.2, NM_001349451.2); short protein forms K168N, K57N.
Identifiers: ClinVar variation 1201853 (VCV001201853.9), dbSNP rs370585538, ClinGen allele CA2238951.

ClinVar aggregate classification (germline): Conflicting classifications of pathogenicity. Review status: criteria provided, conflicting classifications (1 of 4 stars). 3 submissions from 3 submitters: Uncertain significance (1); Likely benign (2). Last evaluated 2025-09-14.

Conditions:
Inborn genetic diseases. Identifiers: MedGen C0950123, MeSH D030342.

Allele frequency attached by ClinVar (database versions not stated): gnomAD exomes 0.00002 and 0.00003; ExAC 0.00003; gnomAD 0.00004; TOPMed 0.00004; ESP Exome Variant Server 0.00008.
gnomAD v4.1: 43 of 1,601,048 alleles (0.0027%); highest among the groups gnomAD compares: Non-Finnish European, 0.0033%; no homozygotes.

Submissions (3):

Labcorp Genetics (formerly Invitae), Labcorp
Classification: Uncertain significance. Last evaluated: 2025-09-14. Review status: criteria provided, single submitter. Criteria: Invitae Variant Classification Sherloc (09022015). Collection method: clinical testing. Allele origin: germline.
Comment: This sequence change replaces lysine, which is basic and polar, with asparagine, which is neutral and polar, at codon 168 of the SETD5 protein (p.Lys168Asn). This variant is present in population databases (rs370585538, gnomAD 0.006%). This variant has not been reported in the literature in individuals affected with SETD5-related conditions. ClinVar contains an entry for this variant (Variation ID: 1201853). Invitae Evidence Modeling of protein sequence and biophysical properties (such as structural, functional, and spatial information, amino acid conservation, physicochemical variation, residue mobility, and thermodynamic stability) indicates that this missense variant is not expected to disrupt SETD5 protein function with a negative predictive value of 80%. In summary, the available evidence is currently insufficient to determine the role of this variant in disease. Therefore, it has been classified as a Variant of Uncertain Significance.

Ambry Genetics
Classification: Likely benign for Inborn genetic diseases. Last evaluated: 2024-01-19. Review status: criteria provided, single submitter. Criteria: Ambry Variant Classification Scheme 2023. Collection method: clinical testing. Allele origin: germline.

GeneDx
Classification: Likely benign. Last evaluated: 2021-04-21. Review status: criteria provided, single submitter. Criteria: GeneDx Variant Classification Process June 2021. Collection method: clinical testing. Allele origin: germline. Affected: yes.